The following is an entry in ClinVar:

NM_001364171.2(ODAD1):c.1702G>C (p.Val568Leu)

Gene: ODAD1 (outer dynein arm docking complex subunit 1; minus strand). Cytogenetic location: 19q13.33.
Variant type: single nucleotide variant.
Coding change: c.1702G>C on transcript NM_001364171.2 (MANE Select); coding-DNA position 1702, G replaced by C.
Protein change: p.Val568Leu; replaces valine 568 with leucine.
Molecular consequence: missense variant.
Genome position (GRCh38, 1-based): chr19:48,297,398, C>G on the plus strand (G>C on the coding strand, the complement: ODAD1 is on the minus strand). VCF-style: chr19-48297398-C-G. GRCh37 (hg19) VCF-style: chr19-48800655-C-G.
Other names: c.1591G>C, p.Val531Leu (NM_144577.4); short protein forms V531L, V568L.
Identifiers: ClinVar variation 2750729 (VCV002750729.3), dbSNP rs190964996, ClinGen allele CA406653445.
Genomic context (GRCh38, chr19:48,297,398, plus strand): 5'-TAGTCTTGTGGCTCAAAATGGACCCGGGGATGGCATGGGGGTGCCTGGTGGGCACCAGGA[C>G]GGTACTGGAGCCGGCCCTCTGGGTGCTGGCCAGGTCCACGCTCAGGGTGCCGTCCAGCTT-3'
Protein context (NP_001351100.1, residues 558-578): ASTQRAGSST[Val568Leu]LVPTRHPHAI

ClinVar aggregate classification (germline): Uncertain significance (1 of 4 stars; one submission).

Conditions:
Primary ciliary dyskinesia. Also called: Ciliary dyskinesia. Identifiers: Orphanet 244, MedGen C0008780, MONDO:0016575, HP:0012265.

gnomAD v4.1: 1 of 1,606,524 alleles (0.000062%); highest among the groups gnomAD compares: Non-Finnish European, 0.000085%; no homozygotes.

Submission:

Labcorp Genetics (formerly Invitae), Labcorp
Classification: Uncertain significance for Primary ciliary dyskinesia. Last evaluated: 2024-10-22. Review status: criteria provided, single submitter. Criteria: Invitae Variant Classification Sherloc (09022015). Collection method: clinical testing. Allele origin: germline.
Comment: This sequence change replaces valine, which is neutral and non-polar, with leucine, which is neutral and non-polar, at codon 531 of the CCDC114 protein (p.Val531Leu). This variant is not present in population databases (gnomAD no frequency). This variant has not been reported in the literature in individuals affected with CCDC114-related conditions. An algorithm developed to predict the effect of missense changes on protein structure and function (PolyPhen-2) suggests that this variant is likely to be tolerated. In summary, the available evidence is currently insufficient to determine the role of this variant in disease. Therefore, it has been classified as a Variant of Uncertain Significance.